The following is an entry in ClinVar:

NM_002693.3(POLG):c.172C>T (p.Gln58Ter)

Genes: POLG (DNA polymerase gamma, catalytic subunit; minus strand), POLGARF (POLG alternative reading frame; minus strand). Cytogenetic location: 15q26.1.
Variant type: single nucleotide variant.
Coding change: c.172C>T on transcript NM_002693.3 (MANE Select); coding-DNA position 172, C replaced by T.
Protein change: p.Gln58Ter; replaces glutamine 58 with a stop codon.
Molecular consequence: nonsense.
Genome position (GRCh38, 1-based): chr15:89,333,583, G>A on the plus strand (C>T on the coding strand, the complement: POLG is on the minus strand). VCF-style: chr15-89333583-G-A. GRCh37 (hg19) VCF-style: chr15-89876814-G-A.
Other names: c.172C>T, p.Gln58Ter (NM_001126131.2); short protein forms Q58*.
Identifiers: ClinVar variation 959671 (VCV000959671.9), dbSNP rs2055625602, ClinGen allele CA393773931.

ClinVar aggregate classification (germline): Pathogenic/Likely pathogenic. Review status: criteria provided, multiple submitters, no conflicts (2 of 4 stars). 2 submissions from 2 submitters: Pathogenic (1); Likely pathogenic (1). Last evaluated 2024-01-16.

Conditions:
Progressive sclerosing poliodystrophy (MTDPS4A). Also called: ALPERS PROGRESSIVE INFANTILE POLIODYSTROPHY; Mitochondrial DNA depletion syndrome 4A (Alpers type); ALPERS DIFFUSE DEGENERATION OF CEREBRAL GRAY MATTER WITH HEPATIC CIRRHOSIS; Alpers-Huttenlocher Syndrome; Alpers-Huttenlocher Syndrome (AHS); Alpers Syndrome. Identifiers: Orphanet 726, MedGen C0205710, MONDO:0008758, OMIM 203700.

Submissions (2):

Labcorp Genetics (formerly Invitae), Labcorp
Classification: Pathogenic for Progressive sclerosing poliodystrophy. Last evaluated: 2024-01-16. Review status: criteria provided, single submitter. Criteria: Invitae Variant Classification Sherloc (09022015). Collection method: clinical testing. Allele origin: germline.
Comment: This sequence change creates a premature translational stop signal (p.Gln58*) in the POLG gene. It is expected to result in an absent or disrupted protein product. Loss-of-function variants in POLG are known to be pathogenic (PMID: 18546365). This variant is not present in population databases (gnomAD no frequency). This variant has not been reported in the literature in individuals affected with POLG-related conditions. ClinVar contains an entry for this variant (Variation ID: 959671). For these reasons, this variant has been classified as Pathogenic.

Baylor Genetics
Classification: Likely pathogenic for Progressive sclerosing poliodystrophy. Last evaluated: 2022-11-21. Review status: criteria provided, single submitter. Criteria: ACMG Guidelines, 2015. Collection method: clinical testing. Allele origin: unknown.

Literature cited by the submitters: PubMed 18546365 (cited by Labcorp Genetics (formerly Invitae), Labcorp).